The following is an entry in ClinVar:

NM_002691.4(POLD1):c.2908_2954-32del

Gene: POLD1 (DNA polymerase delta 1, catalytic subunit; plus strand). Cytogenetic location: 19q13.33.
Variant type: Deletion.
Coding change: c.2908_2954-32del on transcript NM_002691.4 (MANE Select); coding-DNA position 2908 through 32 bases into the intron before coding-DNA position 2954, 96 bases deleted.
Molecular consequence: splice donor variant.
Genome position (GRCh38, 1-based): chr19:50,416,483-50,416,578, 96 bases deleted. GRCh37 (hg19): chr19:50,919,740-50,919,835.
Other names: c.2908_2954-32del (NM_001256849.1); c.2986_3032-32del (NM_001308632.1).
Identifiers: ClinVar variation 1488333 (VCV001488333.6), dbSNP rs2122491644, ClinGen allele CA2573156753.

ClinVar aggregate classification (germline): Uncertain significance (1 of 4 stars; one submission).

Conditions:
POLD1-related polyposis and colorectal cancer syndrome (CRCS10). Also called: Colorectal cancer 10; COLORECTAL CANCER, SUSCEPTIBILITY TO, ON CHROMOSOME 19q; Colorectal cancer, susceptibility to, 10. Identifiers: Orphanet 220460, MedGen C2675481, MONDO:0012953, OMIM 612591.

Submission:

Labcorp Genetics (formerly Invitae), Labcorp
Classification: Uncertain significance for POLD1-related polyposis and colorectal cancer syndrome. Last evaluated: 2021-09-03. Review status: criteria provided, single submitter. Criteria: Invitae Variant Classification Sherloc (09022015). Collection method: clinical testing. Allele origin: germline.
Comment: In summary, the available evidence is currently insufficient to determine the role of this variant in disease. Therefore, it has been classified as a Variant of Uncertain Significance. This variant has not been reported in the literature in individuals affected with POLD1-related conditions. The frequency data for this variant in the population databases is considered unreliable, as metrics indicate insufficient coverage at this position in the ExAC database. This variant results in the deletion of part of exon 23 (c.2908_2954-32del) of the POLD1 gene. Missense variants that disrupt the 3'-5' exonuclease (proof-reading) activity of the POLD1 protein are associated with an increased risk for colonic adenomatous polyps and colon cancer (PMID: 23263490, 23447401). However, loss-of-function variants that result in an absent or severely disrupted POLD1 protein, and missense variants outside the exonuclease domain, are unlikely to be associated with polyposis or colon cancer.

Literature cited by the submitters: PubMed 23263490; PubMed 23447401.